The following is an entry in ClinVar:

NM_172240.3(POC1B):c.611C>T (p.Ala204Val)

Genes: POC1B (POC1 centriolar protein B; minus strand), POC1B-DUSP6 (POC1B-DUSP6 readthrough; minus strand). Cytogenetic location: 12q21.33.
Variant type: single nucleotide variant.
Coding change: c.611C>T on transcript NM_172240.3 (MANE Select); coding-DNA position 611, C replaced by T.
Protein change: p.Ala204Val; replaces alanine 204 with valine.
Molecular consequence: missense variant. On other transcripts: non-coding transcript variant (2).
Genome position (GRCh38, 1-based): chr12:89,471,679, G>A on the plus strand (C>T on the coding strand, the complement: POC1B is on the minus strand). VCF-style: chr12-89471679-G-A. GRCh37 (hg19) VCF-style: chr12-89865456-G-A.
Other names: NC_000012.11:g.89865456G>A; NP_758440.1:p.(Ala204Val); c.485C>T, p.Ala162Val (NM_001199777.2); c.611C>T, p.Ala204Val (NM_001425771.1, NM_001425772.1); c.221C>T, p.Ala74Val (NM_001425773.1); short protein forms A162V, A204V, A74V.
Identifiers: ClinVar variation 3381818 (VCV003381818.2).

ClinVar aggregate classification (germline): Uncertain significance (1 of 4 stars; one submission).

Conditions:
Retinal dystrophy. Also called: Inherited retinal dystrophy. Identifiers: Orphanet 71862, MedGen C0854723, MeSH D058499, MONDO:0019118, HP:0000556.

Submission:

Ophthalmic Genetics Group, Institute of Molecular and Clinical Ophthalmology Basel
Classification: Uncertain significance for Retinal dystrophy. Last evaluated: 2024-05-27. Review status: criteria provided, single submitter. Criteria: ACMG Guidelines, 2015. Collection method: research. Allele origin: germline. Affected: yes. Observed: 2 variant alleles.
Comment: This variant was classified as Uncertain significance based on ACMG criteria: PM2_mod, PP1_strong and BP1_sup

Literature cited by the submitters: PubMed 40180963.